The following is an entry in ClinVar:

ClinVar aggregate classification (germline): Uncertain significance (1 of 4 stars; one submission).

Conditions:
Renal coloboma syndrome (PAPRS). Also called: PAPILLORENAL SYNDROME; PAPILLORENAL SYNDROME WITH MILD OCULAR ABNORMALITIES; CONGENITAL ANOMALIES OF THE KIDNEY AND URINARY TRACT WITH OR WITHOUT OCULAR ABNORMALITIES; CAKUT WITH OR WITHOUT OCULAR ABNORMALITIES; COLOBOMA OF OPTIC NERVE WITH RENAL DISEASE; OPTIC COLOBOMA, VESICOURETERAL REFLUX, AND RENAL ANOMALIES. Identifiers: Orphanet 1475, MedGen C1852759, MONDO:0007352, OMIM 120330.
Focal segmental glomerulosclerosis 7 (FSGS7). Identifiers: Orphanet 656, MedGen C4014925, MONDO:0014451, OMIM 616002.

gnomAD v4.1: 11 of 1,614,018 alleles (0.00068%); highest among the groups gnomAD compares: Non-Finnish European, 0.00093%; no homozygotes.

Submission:

Labcorp Genetics (formerly Invitae), Labcorp
Classification: Uncertain significance for Renal coloboma syndrome; Focal segmental glomerulosclerosis 7. Last evaluated: 2021-04-01. Review status: criteria provided, single submitter. Criteria: Invitae Variant Classification Sherloc (09022015). Collection method: clinical testing. Allele origin: germline.
Comment: This variant is not present in population databases (ExAC no frequency). This sequence change replaces arginine with proline at codon 203 of the PAX2 protein (p.Arg203Pro). The arginine residue is moderately conserved and there is a moderate physicochemical difference between arginine and proline. In summary, the available evidence is currently insufficient to determine the role of this variant in disease. Therefore, it has been classified as a Variant of Uncertain Significance. Experimental studies and prediction algorithms are not available or were not evaluated, and the functional significance of this variant is currently unknown. This variant has not been reported in the literature in individuals with PAX2-related conditions.

NM_000278.5(PAX2):c.608G>C (p.Arg203Pro)

Gene: PAX2 (paired box 2; plus strand). Cytogenetic location: 10q24.31.
Variant type: single nucleotide variant.
Coding change: c.608G>C on transcript NM_000278.5 (MANE Select); coding-DNA position 608, G replaced by C.
Protein change: p.Arg203Pro; replaces arginine 203 with proline.
Molecular consequence: missense variant.
Genome position (GRCh38, 1-based): chr10:100,781,357, G>C. VCF-style: chr10-100781357-G-C. GRCh37 (hg19) VCF-style: chr10-102541114-G-C.
Other names: c.701G>C, p.Arg234Pro (NM_001304569.2); c.608G>C, p.Arg203Pro (NM_003987.5, NM_003988.5, NM_003989.5 and 1 more transcripts); short protein forms R203P, R234P.
Identifiers: ClinVar variation 1356228 (VCV001356228.6), dbSNP rs201089410, ClinGen allele CA378258657.